The following is an entry in ClinVar:

ClinVar aggregate classification (germline): Conflicting classifications of pathogenicity. Review status: criteria provided, conflicting classifications (1 of 4 stars). 4 submissions from 4 submitters: Pathogenic (1); Likely pathogenic (1); Uncertain significance (2). Last evaluated 2025-04-30.

Conditions:
ATP2B1-related disorder. Also called: ATP2B1-related condition.
Inborn genetic diseases. Identifiers: MedGen C0950123, MeSH D030342.

Allele frequency attached by ClinVar (database versions not stated): gnomAD exomes below 0.00001.
gnomAD v4.1: 2 of 1,613,866 alleles (0.00012%); highest among the groups gnomAD compares: Non-Finnish European, 0.00017%; no homozygotes.

Submissions (4):

GeneDx
Classification: Likely pathogenic. Last evaluated: 2025-04-30. Review status: criteria provided, single submitter. Criteria: GeneDx Variant Classification Process June 2021. Collection method: clinical testing. Allele origin: germline. Affected: yes.
Comment: Nonsense variant predicted to result in protein truncation or nonsense mediated decay in a gene for which loss of function is a known mechanism of disease; Not observed at significant frequency in large population cohorts (gnomAD); This variant is associated with the following publications: (PMID: 35982159, 33057194)

Ambry Genetics
Classification: Pathogenic for Inborn genetic diseases. Last evaluated: 2025-02-03. Review status: criteria provided, single submitter. Criteria: Ambry Variant Classification Scheme 2023. Collection method: clinical testing. Allele origin: germline.
Comment: The c.2536C>T (p.R846*) alteration, located in exon 15 (coding exon 15) of the ATP2B1 gene, consists of a C to T substitution at nucleotide position 2536. This changes the amino acid from an arginine (R) to a stop codon at amino acid position 846. This alteration is expected to result in premature protein truncation or nonsense-mediated mRNA decay. This variant was not reported in population-based cohorts in the Genome Aggregation Database (gnomAD). Based on the available evidence, this alteration is classified as pathogenic.

Blueprint Genetics
Classification: Uncertain significance. Last evaluated: 2024-09-10. Review status: criteria provided, single submitter. Criteria: ACMG Guidelines, 2015. Collection method: clinical testing. Allele origin: germline.

PreventionGenetics, part of Exact Sciences
Classification: Uncertain significance for ATP2B1-related condition. Last evaluated: 2023-08-29. Review status: criteria provided, single submitter. Criteria: ACMG Guidelines, 2015. Collection method: clinical testing. Allele origin: germline.
Comment: The ATP2B1 c.2536C>T variant is predicted to result in premature protein termination (p.Arg846*). To our knowledge, this variant has not been reported in the literature or in a large population database, indicating this variant is rare. De novo variants in ATP2B1 have been reported in individuals with neurodevelopmental delay disorders, suggesting an autosomal dominant inheritance (OMIM #619910; Rahimi et al. 2022. PubMed ID: 35358416; Turner et al. 2019. PubMed ID: 31785789, Table S2; McRae et al. 2017. PubMed ID: 28135719, Supplementary Table 1; Kosmicki et al. 2017. PubMed ID: 28191890, Supplementary Table 2). Currently, this gene-disease association is considered provisional due to limited reports in the literature. Although we suspect that this variant may be pathogenic, at this time, the clinical significance of this variant is uncertain due to the absence of conclusive functional and genetic evidence.

Literature cited by the submitters: PubMed 15178683 (cited by Ambry Genetics).

NM_001366521.1(ATP2B1):c.2536C>T (p.Arg846Ter)

Gene: ATP2B1 (ATPase plasma membrane Ca2+ transporting 1; minus strand). Cytogenetic location: 12q21.33.
Variant type: single nucleotide variant.
Coding change: c.2536C>T on transcript NM_001366521.1 (MANE Select); coding-DNA position 2536, C replaced by T.
Protein change: p.Arg846Ter; replaces arginine 846 with a stop codon.
Molecular consequence: nonsense. On other transcripts: non-coding transcript variant (3).
Genome position (GRCh38, 1-based): chr12:89,604,253, G>A on the plus strand (C>T on the coding strand, the complement: ATP2B1 is on the minus strand). VCF-style: chr12-89604253-G-A. GRCh37 (hg19) VCF-style: chr12-89998030-G-A.
Other names: c.2536C>T, p.Arg846Ter (NM_001001323.2, NM_001366520.1, NM_001366522.1 and 12 more transcripts); c.2338C>T, p.Arg780Ter (NM_001366530.1, NM_001413053.1); c.1975C>T, p.Arg659Ter (NM_001366531.1, NM_001366532.1, NM_001413058.1 and 2 more transcripts); c.2497C>T, p.Arg833Ter (NM_001413048.1); c.2395C>T, p.Arg799Ter (NM_001413051.1, NM_001413052.1, NM_001413055.1); c.2293C>T, p.Arg765Ter (NM_001413054.1); c.2281C>T, p.Arg761Ter (NM_001413056.1); c.2083C>T, p.Arg695Ter (NM_001413057.1); short protein forms R780*, R799*, R846*, R659*, R833*, R695*, R761*, R765*.
Identifiers: ClinVar variation 2593337 (VCV002593337.6), dbSNP rs2540803952, ClinGen allele CA386003922.
Genomic context (GRCh38, chr12:89,604,253, plus strand): 5'-CTACTACATTAACAGTAAGTTGGAACTGAAGGAATTTTGAGATGCTGTCATAGACATTTC[G>A]TCCCCACATAACTGCTTTAACAATGCTTGTAAAGTTGTCATCTGTGAGAATAATATCGGA-3'